The following is an entry in ClinVar:

ClinVar aggregate classification (germline): Likely pathogenic (1 of 4 stars; one submission).

Conditions:
Mitochondrial complex II deficiency, nuclear type 1. Also called: SUCCINATE CoQ REDUCTASE DEFICIENCY. Identifiers: Orphanet 3208, MedGen C5700310, MONDO:0100294, OMIM 252011.
Pheochromocytoma/paraganglioma syndrome 5. Also called: Paragangliomas 5; SDHA-Related Hereditary Paraganglioma-Pheochromocytoma Syndrome. Identifiers: Orphanet 29072, MedGen C3279992, MONDO:0013602, OMIM 614165.

Submission:

Labcorp Genetics (formerly Invitae), Labcorp
Classification: Likely pathogenic for Pheochromocytoma/paraganglioma syndrome 5; Mitochondrial complex II deficiency, nuclear type 1. Last evaluated: 2022-12-16. Review status: criteria provided, single submitter. Criteria: Invitae Variant Classification Sherloc (09022015). Collection method: clinical testing. Allele origin: germline.
Comment: Algorithms developed to predict the effect of sequence changes on RNA splicing suggest that this variant may disrupt the consensus splice site. In summary, the currently available evidence indicates that the variant is pathogenic, but additional data are needed to prove that conclusively. Therefore, this variant has been classified as Likely Pathogenic. This variant has not been reported in the literature in individuals affected with SDHA-related conditions. This variant is not present in population databases (gnomAD no frequency). This sequence change affects an acceptor splice site in intron 7 of the SDHA gene. It is expected to disrupt RNA splicing. Variants that disrupt the donor or acceptor splice site typically lead to a loss of protein function (PMID: 16199547), and loss-of-function variants in SDHA are known to be pathogenic (PMID: 22974104, 24781757).

Literature cited by the submitters: PubMed 16199547; PubMed 22974104; PubMed 24781757.

NM_004168.4(SDHA):c.896-2A>G

Gene: SDHA (succinate dehydrogenase complex flavoprotein subunit A; plus strand). Cytogenetic location: 5p15.33.
Variant type: single nucleotide variant.
Coding change: c.896-2A>G on transcript NM_004168.4 (MANE Select); the canonical splice acceptor site of the intron before coding-DNA position 896, A replaced by G.
Molecular consequence: splice acceptor variant.
Genome position (GRCh38, 1-based): chr5:233,475, A>G. VCF-style: chr5-233475-A-G. GRCh37 (hg19) VCF-style: chr5-233590-A-G.
Other names: c.896-2A>G (NM_001330758.2); c.752-2A>G (NM_001294332.2).
Identifiers: ClinVar variation 2923663 (VCV002923663.3), dbSNP rs2477348170, ClinGen allele CA359012502.